The following is an entry in ClinVar:

NM_000059.4(BRCA2):c.4457T>G (p.Val1486Gly)

Gene: BRCA2 (BRCA2 DNA repair associated; plus strand). Cytogenetic location: 13q13.1.
Variant type: single nucleotide variant.
Coding change: c.4457T>G on transcript NM_000059.4 (MANE Select); coding-DNA position 4457, T replaced by G.
Protein change: p.Val1486Gly; replaces valine 1486 with glycine.
Molecular consequence: missense variant.
Genome position (GRCh38, 1-based): chr13:32,338,812, T>G. VCF-style: chr13-32338812-T-G. GRCh37 (hg19) VCF-style: chr13-32912949-T-G.
Other names: short protein forms V1486G.
Identifiers: ClinVar variation 947244 (VCV000947244.15), dbSNP rs2072504759, ClinGen allele CA387781396.

ClinVar aggregate classification (germline): Conflicting classifications of pathogenicity. Review status: criteria provided, conflicting classifications (1 of 4 stars). 5 submissions from 5 submitters: Uncertain significance (4); Likely benign (1). Last evaluated 2024-05-01.

Conditions:
Hereditary breast ovarian cancer syndrome. Also called: Hereditary breast and/or ovarian cancer syndrome; Hereditary breast and ovarian cancer syndrome; Hereditary breast and ovarian cancer syndrome (HBOC); Breast and ovarian cancer; BRCA1- and BRCA2-Associated Hereditary Breast and Ovarian Cancer; Hereditary breast and ovarian cancer. Identifiers: Orphanet 145, MedGen C0677776, MeSH D061325, MONDO:0003582. Disease mechanism: loss of function.
Hereditary cancer-predisposing syndrome. Also called: Hereditary neoplastic syndrome; Neoplastic Syndromes, Hereditary; Tumor predisposition; Hereditary Cancer Syndrome. Identifiers: Orphanet 140162, MedGen C0027672, MeSH D009386, MONDO:0015356.

Submissions (5):

Labcorp Genetics (formerly Invitae), Labcorp
Classification: Uncertain significance for Hereditary breast ovarian cancer syndrome. Last evaluated: 2024-05-01. Review status: criteria provided, single submitter. Criteria: Invitae Variant Classification Sherloc (09022015). Collection method: clinical testing. Allele origin: germline.
Comment: This sequence change replaces valine, which is neutral and non-polar, with glycine, which is neutral and non-polar, at codon 1486 of the BRCA2 protein (p.Val1486Gly). This variant is not present in population databases (gnomAD no frequency). This variant has not been reported in the literature in individuals affected with BRCA2-related conditions. ClinVar contains an entry for this variant (Variation ID: 947244). Advanced modeling of protein sequence and biophysical properties (such as structural, functional, and spatial information, amino acid conservation, physicochemical variation, residue mobility, and thermodynamic stability) performed at Invitae indicates that this missense variant is not expected to disrupt BRCA2 protein function with a negative predictive value of 95%. In summary, the available evidence is currently insufficient to determine the role of this variant in disease. Therefore, it has been classified as a Variant of Uncertain Significance.

Color Diagnostics, LLC DBA Color Health
Classification: Uncertain significance for Hereditary cancer-predisposing syndrome. Last evaluated: 2023-12-05. Review status: criteria provided, single submitter. Criteria: ACMG Guidelines, 2015. Collection method: clinical testing. Allele origin: germline.
Comment: This missense variant replaces valine with glycine at codon 1486 of the BRCA2 protein. Computational prediction suggests that this variant may not impact protein structure and function. To our knowledge, functional studies have not been reported for this variant. This variant has not been reported in individuals affected with BRCA2-related disorders in the literature. This variant has not been identified in the general population by the Genome Aggregation Database (gnomAD). The available evidence is insufficient to determine the role of this variant in disease conclusively. Therefore, this variant is classified as a Variant of Uncertain Significance.

Ambry Genetics
Classification: Uncertain significance for Hereditary cancer-predisposing syndrome. Last evaluated: 2023-04-16. Review status: criteria provided, single submitter. Criteria: Ambry Variant Classification Scheme 2023. Collection method: clinical testing. Allele origin: germline.
Comment: The p.V1486G variant (also known as c.4457T>G), located in coding exon 10 of the BRCA2 gene, results from a T to G substitution at nucleotide position 4457. The valine at codon 1486 is replaced by glycine, an amino acid with dissimilar properties. This amino acid position is conserved. In addition, this alteration is predicted to be tolerated by in silico analysis. Since supporting evidence is limited at this time, the clinical significance of this alteration remains unclear.

University of Washington Department of Laboratory Medicine, University of Washington
Classification: Likely benign for Hereditary cancer-predisposing syndrome. Last evaluated: 2023-03-23. Review status: criteria provided, single submitter. Criteria: Dines et al. (Genet Med. 2020). Collection method: curation. Allele origin: germline.
Comment: Missense variant in a coldspot region where missense variants are very unlikely to be pathogenic (PMID:31911673).

BRCA2 exon 11 coldspot. Reclassification based on statistical prior probability.

GeneDx
Classification: Uncertain significance. Last evaluated: 2019-06-10. Review status: criteria provided, single submitter. Criteria: GeneDx Variant Classification Process June 2021. Collection method: clinical testing. Allele origin: germline. Affected: yes.
Comment: Not observed in large population cohorts (Lek et al., 2016); In silico analysis, which includes splice predictors and evolutionary conservation, suggests this variant may impact gene splicing. In the absence of RNA/functional studies, the actual effect of this sequence change is unknown.